The following is an entry in ClinVar:

NM_001103.4(ACTN2):c.2168G>A (p.Gly723Glu)

Gene: ACTN2 (actinin alpha 2; plus strand). Cytogenetic location: 1q43.
Variant type: single nucleotide variant.
Coding change: c.2168G>A on transcript NM_001103.4 (MANE Select); coding-DNA position 2168, G replaced by A.
Protein change: p.Gly723Glu; replaces glycine 723 with glutamic acid.
Molecular consequence: missense variant.
Genome position (GRCh38, 1-based): chr1:236,757,499, G>A. VCF-style: chr1-236757499-G-A. GRCh37 (hg19) VCF-style: chr1-236920799-G-A.
Other names: c.2168G>A, p.Gly723Glu (NM_001278343.2); c.1544G>A, p.Gly515Glu (NM_001278344.2); c.1418G>A, p.Gly473Glu (NM_001412150.1); c.2168G>A (NM_001103.3); short protein forms G515E, G723E, G473E.
Identifiers: ClinVar variation 1787012 (VCV001787012.4), dbSNP rs906925808, ClinGen allele CA39743728.

ClinVar aggregate classification (germline): Uncertain significance. Review status: criteria provided, multiple submitters, no conflicts (2 of 4 stars). 3 submissions from 3 submitters: Uncertain significance (3). Last evaluated 2023-08-28.

Conditions:
ACTN2-related disorder. Also called: ACTN2-related disorders; ACTN2 related condition.
Cardiovascular phenotype. Identifiers: MedGen CN230736.

Allele frequency attached by ClinVar (database versions not stated): gnomAD exomes below 0.00001.
gnomAD v4.1: 2 of 1,614,156 alleles (0.00012%); highest among the groups gnomAD compares: Non-Finnish European, 0.00017%; no homozygotes.

Submissions (3):

PreventionGenetics, part of Exact Sciences
Classification: Uncertain significance for ACTN2-related condition. Last evaluated: 2023-08-28. Review status: criteria provided, single submitter. Criteria: ACMG Guidelines, 2015. Collection method: clinical testing. Allele origin: germline.
Comment: The ACTN2 c.2168G>A variant is predicted to result in the amino acid substitution p.Gly723Glu. To our knowledge, this variant has not been reported in the literature or in a large population database, indicating this variant is rare. At this time, the clinical significance of this variant is uncertain due to the absence of conclusive functional and genetic evidence.

GeneDx
Classification: Uncertain significance. Last evaluated: 2023-03-03. Review status: criteria provided, single submitter. Criteria: GeneDx Variant Classification Process June 2021. Collection method: clinical testing. Allele origin: germline. Affected: yes.
Comment: Not observed at significant frequency in large population cohorts (gnomAD); In silico analysis supports that this missense variant has a deleterious effect on protein structure/function; Has not been previously published as pathogenic or benign to our knowledge

Ambry Genetics
Classification: Uncertain significance for Cardiovascular phenotype. Last evaluated: 2022-04-04. Review status: criteria provided, single submitter. Criteria: Ambry Variant Classification Scheme 2023. Collection method: clinical testing. Allele origin: germline.
Comment: The p.G723E variant (also known as c.2168G>A), located in coding exon 18 of the ACTN2 gene, results from a G to A substitution at nucleotide position 2168. The glycine at codon 723 is replaced by glutamic acid, an amino acid with similar properties. This amino acid position is conserved. In addition, this alteration is predicted to be deleterious by in silico analysis. Since supporting evidence is limited at this time, the clinical significance of this alteration remains unclear.